The following is an entry in ClinVar:

ClinVar aggregate classification (germline): Likely benign. Review status: criteria provided, multiple submitters, no conflicts (2 of 4 stars). 3 submissions from 3 submitters: Likely benign (2). 1 of the submissions does not count toward it. Last evaluated 2025-05-07.

Conditions:
Gaucher disease. Also called: Acute cerebral Gaucher disease; Cerebroside lipidosis syndrome; Gaucher splenomegaly; Sphingolipidosis 1; Glucocerebrosidosis; Glucosylceramidase deficiency. Identifiers: Orphanet 355, MedGen C0017205, MONDO:0018150.

Allele frequency attached by ClinVar (database versions not stated): gnomAD exomes below 0.00001; gnomAD 0.00003; ESP Exome Variant Server 0.00015; ExAC 0.00001; TOPMed 0.00005.
gnomAD v4.1: 5 of 1,613,758 alleles (0.00031%); highest among the groups gnomAD compares: African/African-American, 0.0067%; no homozygotes.

Submissions (3):

Mayo Clinic Laboratories, Mayo Clinic
Classification: Likely benign. Last evaluated: 2025-05-07. Review status: criteria provided, single submitter. Criteria: ACMG Guidelines, 2015. Collection method: clinical testing. Allele origin: germline. Observed: 1 variant allele.
Comment: BP4, BP7, PM2_supporting

Women's Health and Genetics/Laboratory Corporation of America, LabCorp
Classification: Likely benign. Last evaluated: 2019-08-28. Review status: criteria provided, single submitter. Criteria: LabCorp Variant Classification Summary - May 2015. Collection method: clinical testing. Allele origin: germline.

Natera, Inc.
Classification: Uncertain significance for Gaucher disease. Last evaluated: 2019-07-15. Review status: no assertion criteria provided. Collection method: clinical testing. Allele origin: germline. Not counted in ClinVar's aggregate classification.

NM_000157.4(GBA1):c.1447C>T (p.Leu483=)

Genes: GBA1 (glucosylceramidase beta 1; minus strand), LOC106627981 (GBA recombination region; plus strand). Cytogenetic location: 1q22.
Variant type: single nucleotide variant.
Coding change: c.1447C>T on transcript NM_000157.4 (MANE Select); coding-DNA position 1447, C replaced by T.
Protein change: p.Leu483=; no amino-acid change (leucine 483 retained).
Molecular consequence: synonymous variant.
Genome position (GRCh38, 1-based): chr1:155,235,253, G>A on the plus strand (C>T on the coding strand, the complement: GBA1 is on the minus strand). VCF-style: chr1-155235253-G-A. GRCh37 (hg19) VCF-style: chr1-155205044-G-A.
Other names: p.Leu483=; c.1447C>T, p.Leu483= (NM_001005741.3, NM_001005742.3); c.1186C>T, p.Leu396= (NM_001171811.2); c.1300C>T, p.Leu434= (NM_001171812.2).
Identifiers: ClinVar variation 496082 (VCV000496082.5), dbSNP rs369966551, ClinGen allele CA1141527.
Genomic context (GRCh38, chr1:155,235,253, plus strand): 5'-ACCGGTTTAGCACGACCACAACAGCAGAGCCATCGGGATGCATCAGTGCCACTGCGTCCA[G>A]GTCGTTCTTCTGACTGGCAACCAGCCCCACTCTCTGGGAGCCCTCAGGAATGAACTTGCT-3'
Protein context (NP_000148.2, residues 473-493): VGLVASQKND[Leu483=]DAVALMHPDG